The following is an entry in ClinVar:

ClinVar aggregate classification (germline): Uncertain significance (1 of 4 stars; one submission).

Conditions:
Lethal multiple pterygium syndrome (LMPS). Identifiers: Orphanet 33108, MedGen C1854678, MONDO:0009668, OMIM 253290.

Submission:

Labcorp Genetics (formerly Invitae), Labcorp
Classification: Uncertain significance for Lethal multiple pterygium syndrome. Last evaluated: 2020-01-11. Review status: criteria provided, single submitter. Criteria: Invitae Variant Classification Sherloc (09022015). Collection method: clinical testing. Allele origin: germline.
Comment: This variant has not been reported in the literature in individuals with CHRNA1-related conditions. This sequence change replaces asparagine with threonine at codon 73 of the CHRNA1 protein (p.Asn73Thr). The asparagine residue is highly conserved and there is a small physicochemical difference between asparagine and threonine. This variant is not present in population databases (ExAC no frequency). Algorithms developed to predict the effect of missense changes on protein structure and function are either unavailable or do not agree on the potential impact of this missense change (SIFT: "Deleterious"; PolyPhen-2: "Possibly Damaging"; Align-GVGD: "Class C0"). In summary, the available evidence is currently insufficient to determine the role of this variant in disease. Therefore, it has been classified as a Variant of Uncertain Significance.

NM_000079.4(CHRNA1):c.218A>C (p.Asn73Thr)

Gene: CHRNA1 (cholinergic receptor nicotinic alpha 1 subunit; minus strand). Cytogenetic location: 2q31.1.
Variant type: single nucleotide variant.
Coding change: c.218A>C on transcript NM_000079.4 (MANE Select); coding-DNA position 218, A replaced by C.
Protein change: p.Asn73Thr; replaces asparagine 73 with threonine.
Molecular consequence: missense variant.
Genome position (GRCh38, 1-based): chr2:174,759,347, T>G on the plus strand (A>C on the coding strand, the complement: CHRNA1 is on the minus strand). VCF-style: chr2-174759347-T-G. GRCh37 (hg19) VCF-style: chr2-175624075-T-G.
Other names: c.218A>C, p.Asn73Thr (NM_001039523.3); short protein forms N73T.
Identifiers: ClinVar variation 1005558 (VCV001005558.8), dbSNP rs141121555, ClinGen allele CA349344182.